The following is an entry in ClinVar:

ClinVar aggregate classification (germline): Likely pathogenic. Review status: criteria provided, multiple submitters, no conflicts (2 of 4 stars). 3 submissions from 3 submitters: Likely pathogenic (2). 1 of the submissions does not count toward it. Last evaluated 2025-08-05.

Conditions:
beta Thalassemia (BTHAL). Also called: Cooley's anemia; Erythroblastic anemia; Mediterranean anemia. Identifiers: Orphanet 848, MedGen C0005283, MONDO:0019402. Disease mechanism: loss of function.

Submissions (3):

Natera, Inc.
Classification: Likely pathogenic for Beta thalassemia. Last evaluated: 2025-08-05. Review status: criteria provided, single submitter. Criteria: Natera Variant Classification Schema (03/2026). Collection method: clinical testing. Allele origin: germline.
Comment: The c.3G>T variant in HBB is predicted to result in start loss due to disruption of the initiator methionine. This variant is expected to result in nonsense mediated decay, truncation, or a dysfunctional protein product. This variant is rare in the general population with a frequency below the threshold expected for the associated phenotype(s). Given the available evidence, this variant is classified as Likely Pathogenic.

Quest Diagnostics Nichols Institute San Juan Capistrano
Classification: Likely pathogenic. Last evaluated: 2023-09-27. Review status: criteria provided, single submitter. Criteria: Quest Diagnostics criteria. Collection method: clinical testing. Allele origin: unknown.
Comment: The HBB c.3G>T variant disrupts the translation initiation codon of the HBB mRNA and is predicted to interfere with HBB protein synthesis. In the published literature, this variant has been reported in individuals with beta thalassemia (PMID: 8144357 (1993), 8718703 (1995)). This variant has not been reported in large, multi-ethnic general populations (Genome Aggregation Database). Based on the available information, this variant is classified as likely pathogenic.

The ITHANET community portal, The Cyprus Institute of Neurology and Genetics
Classification: Pathogenic for beta Thalassemia. Last evaluated: 2019-11-25. Review status: no assertion criteria provided. Collection method: curation. Allele origin: germline. Not counted in ClinVar's aggregate classification.

Literature cited by the submitters: PubMed 8144357 (cited by Quest Diagnostics Nichols Institute San Juan Capistrano); PubMed 8718703 (cited by Quest Diagnostics Nichols Institute San Juan Capistrano and The ITHANET community portal, The Cyprus Institute of Neurology and Genetics); PubMed 19429541 (cited by Quest Diagnostics Nichols Institute San Juan Capistrano).

NM_000518.5(HBB):c.3G>T (p.Met1Ile)

Genes: HBB (hemoglobin subunit beta; minus strand), LOC106099062 (HBB recombination region; plus strand), LOC107133510 (origin of replication at HBB; plus strand). Cytogenetic location: 11p15.4.
Variant type: single nucleotide variant.
Coding change: c.3G>T on transcript NM_000518.5 (MANE Select); coding-DNA position 3, G replaced by T.
Protein change: p.Met1Ile; changes the start codon (methionine 1).
Molecular consequence: missense variant, initiator codon variant.
Genome position (GRCh38, 1-based): chr11:5,227,019, C>A on the plus strand (G>T on the coding strand, the complement: HBB is on the minus strand). VCF-style: chr11-5227019-C-A. GRCh37 (hg19) VCF-style: chr11-5248249-C-A.
Other names: Init CD ATG>ATT; c.3G>T (NM_000518.4); short protein forms M1I.
Identifiers: ClinVar variation 869316 (VCV000869316.4), dbSNP rs33930702, ClinGen allele CA217115639.
Genomic context (GRCh38, chr11:5,227,019, plus strand): 5'-CACGTTCACCTTGCCCCACAGGGCAGTAACGGCAGACTTCTCCTCAGGAGTCAGATGCAC[C>A]ATGGTGTCTGTTTGAGGTTGCTAGTGAACACAGTTGTGTCAGAAGCAAATGTAAGCAATA-3'
Protein context (NP_000509.1, residues 1-11): [Met1Ile]VHLTPEEKSA